The following is an entry in ClinVar:

NM_138420.4(AHNAK2):c.8601C>T (p.Ser2867=)

Gene: AHNAK2 (AHNAK nucleoprotein 2; minus strand). Cytogenetic location: 14q32.33.
Variant type: single nucleotide variant.
Coding change: c.8601C>T on transcript NM_138420.4 (MANE Select); coding-DNA position 8601, C replaced by T.
Protein change: p.Ser2867=; no amino-acid change (serine 2867 retained).
Molecular consequence: synonymous variant.
Genome position (GRCh38, 1-based): chr14:104,946,850, G>A on the plus strand (C>T on the coding strand, the complement: AHNAK2 is on the minus strand). VCF-style: chr14-104946850-G-A. GRCh37 (hg19) VCF-style: chr14-105413187-G-A.
Other names: c.8301C>T, p.Ser2767= (NM_001350929.2).
Identifiers: ClinVar variation 2644696 (VCV002644696.24), dbSNP rs370122326, ClinGen allele CA7380002.
Genomic context (GRCh38, chr14:104,946,850, plus strand): 5'-GGGAACGTGGCCCTCTGGGAGTTTCACGTCCACCTGGCCAGCCTGGACCTCCAGTTGGGC[G>A]GAGGGGGGCTGAATGCGGATGTCAGTGGTCTTAAGATCCCCTTGCATGGAGGGGAAGCTC-3'
Protein context (NP_612429.2, residues 2857-2877): KTTDIRIQPP[Ser2867=]AQLEVQAGQV

ClinVar aggregate classification (germline): Likely benign (1 of 4 stars; one submission).

Allele frequency attached by ClinVar (database versions not stated): ESP Exome Variant Server 0.00016; ExAC 0.00022; 1000 Genomes Project 0.00180; 1000 Genomes Project 30x 0.00265.

Submission:

CeGaT Center for Human Genetics Tuebingen
Classification: Likely benign. Last evaluated: 2023-03-01. Review status: criteria provided, single submitter. Criteria: CeGaT Center For Human Genetics Tuebingen Variant Classification Criteria Version 2. Collection method: clinical testing. Allele origin: germline. Affected: yes. Observed: 1 variant allele.
Comment: AHNAK2: BP4, BP7